The following is an entry in ClinVar:

NM_014585.6(SLC40A1):c.1597A>G (p.Met533Val)

Gene: SLC40A1 (solute carrier family 40 member 1; minus strand). Cytogenetic location: 2q32.2.
Variant type: single nucleotide variant.
Coding change: c.1597A>G on transcript NM_014585.6 (MANE Select); coding-DNA position 1597, A replaced by G.
Protein change: p.Met533Val; replaces methionine 533 with valine.
Molecular consequence: missense variant.
Genome position (GRCh38, 1-based): chr2:189,561,997, T>C on the plus strand (A>G on the coding strand, the complement: SLC40A1 is on the minus strand). VCF-style: chr2-189561997-T-C. GRCh37 (hg19) VCF-style: chr2-190426723-T-C.
Other names: short protein forms M533V.
Identifiers: ClinVar variation 2382652 (VCV002382652.3), dbSNP rs769128680, ClinGen allele CA2024045.
Genomic context (GRCh38, chr2:189,561,997, plus strand): 5'-AAGCAAAGAGCTTGTTTCCCAGAGTATTTTGGGCAAATCGGAAATACATAATGTGGCCCA[T>C]TGCCACAAAGGAGACTGAAATCAATACGAGCAAGCCAAAAGCTTCAGGATTTGGAGCCAG-3'
Protein context (NP_055400.1, residues 523-543): LVLISVSFVA[Met533Val]GHIMYFRFAQ

ClinVar aggregate classification (germline): Uncertain significance. Review status: criteria provided, multiple submitters, no conflicts (2 of 4 stars). 2 submissions from 2 submitters: Uncertain significance (2). Last evaluated 2025-10-21.

Conditions:
Inborn genetic diseases. Identifiers: MedGen C0950123, MeSH D030342.
Hemochromatosis type 4 (HFE4). Also called: HEMOCHROMATOSIS DUE TO DEFECT IN FERROPORTIN; HEMOCHROMATOSIS, AUTOSOMAL DOMINANT; Ferroportin disease. Identifiers: Orphanet 139491, Orphanet 647834, Orphanet 648562, MedGen C1853733, MONDO:0011631, OMIM 606069.

Allele frequency attached by ClinVar (database versions not stated): ExAC 0.00001; gnomAD exomes 0.00002.
gnomAD v4.1: 23 of 1,613,914 alleles (0.0014%); highest among the groups gnomAD compares: Non-Finnish European, 0.0019%; no homozygotes.

Submissions (2):

Labcorp Genetics (formerly Invitae), Labcorp
Classification: Uncertain significance for Hemochromatosis type 4. Last evaluated: 2025-10-21. Review status: criteria provided, single submitter. Criteria: Invitae Variant Classification Sherloc (09022015). Collection method: clinical testing. Allele origin: germline.
Comment: This sequence change replaces methionine, which is neutral and non-polar, with valine, which is neutral and non-polar, at codon 533 of the SLC40A1 protein (p.Met533Val). This variant is present in population databases (rs769128680, gnomAD 0.002%). This variant has not been reported in the literature in individuals affected with SLC40A1-related conditions. ClinVar contains an entry for this variant (Variation ID: 2382652). Invitae Evidence Modeling of protein sequence and biophysical properties (such as structural, functional, and spatial information, amino acid conservation, physicochemical variation, residue mobility, and thermodynamic stability) has been performed for this missense variant. However, the output from this modeling did not meet the statistical confidence thresholds required to predict the impact of this variant on SLC40A1 protein function. In summary, the available evidence is currently insufficient to determine the role of this variant in disease. Therefore, it has been classified as a Variant of Uncertain Significance.

Ambry Genetics
Classification: Uncertain significance for Inborn genetic diseases. Last evaluated: 2022-07-13. Review status: criteria provided, single submitter. Criteria: Ambry Variant Classification Scheme 2023. Collection method: clinical testing. Allele origin: germline.